The following is an entry in ClinVar:

NM_000548.5(TSC2):c.374A>G (p.Lys125Arg)

Gene: TSC2 (TSC complex subunit 2; plus strand). Cytogenetic location: 16p13.3.
Variant type: single nucleotide variant.
Coding change: c.374A>G on transcript NM_000548.5 (MANE Select); coding-DNA position 374, A replaced by G.
Protein change: p.Lys125Arg; replaces lysine 125 with arginine.
Molecular consequence: missense variant. On other transcripts: intron variant (1).
Genome position (GRCh38, 1-based): chr16:2,054,333, A>G. VCF-style: chr16-2054333-A-G. GRCh37 (hg19) VCF-style: chr16-2104334-A-G.
Other names: c.374A>G (NM_000548.4); c.374A>G, p.Lys125Arg (NM_001077183.3, NM_001114382.3, NM_001363528.2 and 3 more transcripts); c.263A>G, p.Lys88Arg (NM_001318827.2); c.227A>G, p.Lys76Arg (NM_001318829.2); c.407A>G, p.Lys136Arg (NM_001318832.2); c.-1-1863A>G (NM_001318831.2); short protein forms K125R, K136R, K76R, K88R.
Identifiers: ClinVar variation 468038 (VCV000468038.29), dbSNP rs767059758, ClinGen allele CA048294.

ClinVar aggregate classification (germline): Conflicting classifications of pathogenicity. Review status: criteria provided, conflicting classifications (1 of 4 stars). 9 submissions from 9 submitters: Uncertain significance (3); Benign (1); Likely benign (5). Last evaluated 2026-07-25.

Conditions:
TSC2-related disorder. Also called: TSC2-Related Disorders; TSC2-related condition.
Hereditary cancer-predisposing syndrome. Also called: Tumor predisposition; Hereditary neoplastic syndrome; Neoplastic Syndromes, Hereditary; Hereditary Cancer Syndrome. Identifiers: Orphanet 140162, MedGen C0027672, MeSH D009386, MONDO:0015356.
Tuberous sclerosis syndrome (TSC). Also called: Tuberous Sclerosis Complex; Tuberous sclerosis. Identifiers: Orphanet 805, MedGen C0041341, MONDO:0001734.
Tuberous sclerosis 2 (TSC2). Identifiers: Orphanet 805, MedGen C1860707, MONDO:0013199, OMIM 613254.

Allele frequency attached by ClinVar (database versions not stated): gnomAD exomes 0.00001 and 0.00006; TOPMed 0.00001; ExAC 0.00002; gnomAD 0.00002.

Submissions (9):

PreventionGenetics, part of Exact Sciences
Classification: Likely benign for TSC2-related condition. Last evaluated: 2026-07-25. Review status: criteria provided, single submitter. Criteria: ACMG Guidelines, 2015. Collection method: clinical testing. Allele origin: germline.
Comment: This variant is classified as likely benign based on ACMG/AMP sequence variant interpretation guidelines (Richards et al. 2015 PMID: 25741868, with internal and published modifications).

Labcorp Genetics (formerly Invitae), Labcorp
Classification: Benign for Tuberous sclerosis 2. Last evaluated: 2025-12-10. Review status: criteria provided, single submitter. Criteria: Invitae Variant Classification Sherloc (09022015). Collection method: clinical testing. Allele origin: germline.

All of Us Research Program, National Institutes of Health
Classification: Uncertain significance for Tuberous sclerosis syndrome. Last evaluated: 2024-06-17. Review status: criteria provided, single submitter. Criteria: ACMG Guidelines, 2015. Collection method: clinical testing. Allele origin: germline. Inheritance: Autosomal dominant inheritance. Observed: 4 variant alleles, 4 heterozygotes.
Comment: This missense variant replaces lysine with arginine at codon 125 of the TSC2 protein. Computational prediction suggests that this variant may not impact protein structure and function (internally defined REVEL score threshold <= 0.5, PMID: 27666373). To our knowledge, functional studies have not been reported for this variant. This variant has not been reported in individuals affected with tuberous sclerosis complex in the literature. This variant has been identified in 3/282878 chromosomes in the general population by the Genome Aggregation Database (gnomAD). The available evidence is insufficient to determine the role of this variant in disease conclusively. Therefore, this variant is classified as a Variant of Uncertain Significance.

This study involves interpretation of variants in research participants for the purpose of population health screening. Participant phenotype was not available at the time of variant classification. Additional details can be found in publication PMID: 35346344, PMCID: PMC8962531

Johns Hopkins Genomics, Johns Hopkins University
Classification: Likely benign for Tuberous sclerosis 2. Last evaluated: 2022-04-04. Review status: criteria provided, single submitter. Criteria: ACMG Guidelines, 2015. Collection method: clinical testing. Allele origin: germline.

Genome-Nilou Lab
Classification: Likely benign for Tuberous sclerosis 2. Last evaluated: 2021-11-07. Review status: criteria provided, single submitter. Criteria: ACMG Guidelines, 2015. Collection method: clinical testing. Allele origin: germline. Affected: no.

Sema4
Classification: Uncertain significance for Hereditary cancer-predisposing syndrome. Last evaluated: 2021-06-16. Review status: criteria provided, single submitter. Criteria: Sema4 Curation Guidelines. Collection method: curation. Allele origin: germline.
Comment: The TSC2 c.374A>G (p.K125R) variant has not been reported in the literature to our knowledge. It was observed in 1/24968 chromosomes of the African/African American subpopulation in the large and broad cohorts of the Genome Aggregation Database (PMID: 32461654). The variant has been reported in ClinVar (Variation ID 468038). In silico tools suggest the impact of the variant on protein function is inconclusive, though these predictions have not been confirmed by functional studies. The evidence is insufficient to meet ACMG/AMP criteria for classifying the variant as benign or pathogenic. Thus, the clinical significance of this variant is currently uncertain.

GeneDx
Classification: Likely benign. Last evaluated: 2020-11-03. Review status: criteria provided, single submitter. Criteria: GeneDx Variant Classification Process June 2021. Collection method: clinical testing. Allele origin: germline. Affected: yes.

Ambry Genetics
Classification: Likely benign for Hereditary cancer-predisposing syndrome. Last evaluated: 2020-05-01. Review status: criteria provided, single submitter. Criteria: Ambry Variant Classification Scheme 2023. Collection method: clinical testing. Allele origin: germline.

Illumina Laboratory Services, Illumina
Classification: Uncertain significance for Tuberous sclerosis syndrome. Last evaluated: 2018-01-12. Review status: criteria provided, single submitter. Criteria: ICSL Variant Classification Criteria 13 December 2019. Collection method: clinical testing. Allele origin: germline.